The following is an entry in ClinVar:

ClinVar aggregate classification (germline): Likely benign (1 of 4 stars; one submission).

Allele frequency attached by ClinVar (database versions not stated): gnomAD 0.00001; TOPMed 0.00001; ExAC 0.00002; gnomAD exomes 0.00002.
gnomAD v4.1: 39 of 1,613,920 alleles (0.0024%); highest among the groups gnomAD compares: Middle Eastern, 0.049%; no homozygotes.

Submission:

CeGaT Center for Human Genetics Tuebingen
Classification: Likely benign. Last evaluated: 2023-08-01. Review status: criteria provided, single submitter. Criteria: CeGaT Center For Human Genetics Tuebingen Variant Classification Criteria Version 2. Collection method: clinical testing. Allele origin: germline. Affected: yes. Observed: 1 variant allele.
Comment: WDFY3: BP4, BP7

NM_014991.6(WDFY3):c.9165A>G (p.Ala3055=)

Genes: WDFY3 (WD repeat and FYVE domain containing 3; minus strand), LOC126807101 (CDK7 strongly-dependent group 2 enhancer GRCh37_chr4:85612241-85613440; plus strand). Cytogenetic location: 4q21.23.
Variant type: single nucleotide variant.
Coding change: c.9165A>G on transcript NM_014991.6 (MANE Select); coding-DNA position 9165, A replaced by G.
Protein change: p.Ala3055=; no amino-acid change (alanine 3055 retained).
Molecular consequence: synonymous variant.
Genome position (GRCh38, 1-based): chr4:84,691,670, T>C on the plus strand (A>G on the coding strand, the complement: WDFY3 is on the minus strand). VCF-style: chr4-84691670-T-C. GRCh37 (hg19) VCF-style: chr4-85612823-T-C.
Identifiers: ClinVar variation 2654861 (VCV002654861.24), dbSNP rs773805235, ClinGen allele CA2992241.